The following is an entry in ClinVar:

NM_012186.3(FOXE3):c.181del (p.Arg61fs)

Genes: FOXE3 (forkhead box E3; plus strand), LINC01389 (long independently transcribed non-coding RNA 1389; minus strand). Cytogenetic location: 1p33.
Variant type: Deletion.
Coding change: c.181del on transcript NM_012186.3 (MANE Select); coding-DNA position 181, one base deleted (C; older notation c.181delC).
Protein change: p.Arg61fs; shifts the reading frame from arginine 61.
Molecular consequence: frameshift variant.
Genome position (GRCh38, 1-based): chr1:47,416,496, C deleted. VCF-style (leftmost placement, unchanged base first): chr1-47416495-GC-G. GRCh37 (hg19) VCF-style: chr1-47882167-GC-G.
Other names: short protein forms R61fs.
Identifiers: ClinVar variation 839342 (VCV000839342.11), dbSNP rs1646883385, ClinGen allele CA916082029.

ClinVar aggregate classification (germline): Pathogenic/Likely pathogenic. Review status: criteria provided, multiple submitters, no conflicts (2 of 4 stars). 2 submissions from 2 submitters: Pathogenic (1); Likely pathogenic (1). Last evaluated 2021-02-18.

Conditions:
FOXE3-related disorder. Also called: FOXE3-related condition.
Congenital primary aphakia. Also called: ANTERIOR SEGMENT DYSGENESIS 2; Anterior segment dysgenesis 2, multiple subtypes. Identifiers: Orphanet 83461, MedGen C1853230, MONDO:0012456, OMIM 610256.
Anterior segment dysgenesis. Also called: Ocular anterior segment dysgenesis. Identifiers: Orphanet 88632, MedGen C1862839, MONDO:0019503, HP:0007700.

Allele frequency attached by ClinVar (database versions not stated): gnomAD exomes below 0.00001; TOPMed below 0.00001; gnomAD 0.00001.

Submissions (2):

Blueprint Genetics
Classification: Pathogenic for FOXE3-related disorders. Last evaluated: 2021-02-18. Review status: criteria provided, single submitter. Criteria: ACMG Guidelines, 2015. Collection method: clinical testing. Allele origin: germline. Affected: yes. Observed: 2 variant alleles.

Labcorp Genetics (formerly Invitae), Labcorp
Classification: Likely pathogenic for Anterior segment dysgenesis; Congenital primary aphakia. Last evaluated: 2019-11-27. Review status: criteria provided, single submitter. Criteria: Invitae Variant Classification Sherloc (09022015). Collection method: clinical testing. Allele origin: germline.
Comment: This sequence change results in a premature translational stop signal in the FOXE3 gene (p.Arg61Glyfs*163). While this is not anticipated to result in nonsense mediated decay, it is expected to disrupt the last 259 amino acids of the FOXE3 protein. In summary, the currently available evidence indicates that the variant is pathogenic, but additional data are needed to prove that conclusively. Therefore, this variant has been classified as Likely Pathogenic. This variant disrupts the C-terminus of the FOXE3 protein. Other variant(s) that disrupt this region (p.Ala230Argfs*3, p.Cys240*, p.Phe186Serfs*38) have been observed in individuals with autosomal recessive FOXE3-related conditions (PMID: 24033328, 16826526, 20140963). This suggests that this may be a clinically significant region of the protein. This variant has not been reported in the literature in individuals with FOXE3-related conditions. The frequency data for this variant in the population databases is considered unreliable, as metrics indicate insufficient coverage at this position in the ExAC database.

Literature cited by the submitters: PubMed 24033328 (cited by Labcorp Genetics (formerly Invitae), Labcorp); PubMed 16826526 (cited by Labcorp Genetics (formerly Invitae), Labcorp); PubMed 20140963 (cited by Labcorp Genetics (formerly Invitae), Labcorp).